The following is an entry in ClinVar:

NM_000038.6(APC):c.8405C>T (p.Pro2802Leu)

Gene: APC (APC regulator of Wnt signaling pathway; plus strand). Cytogenetic location: 5q22.2.
Variant type: single nucleotide variant.
Coding change: c.8405C>T on transcript NM_000038.6 (MANE Select); coding-DNA position 8405, C replaced by T.
Protein change: p.Pro2802Leu; replaces proline 2802 with leucine.
Molecular consequence: missense variant.
Genome position (GRCh38, 1-based): chr5:112,843,999, C>T. VCF-style: chr5-112843999-C-T. GRCh37 (hg19) VCF-style: chr5-112179696-C-T.
Other names: c.8405C>T, p.Pro2802Leu (NM_001127510.3, NM_001354895.2); c.8351C>T, p.Pro2784Leu (NM_001127511.3); c.8459C>T, p.Pro2820Leu (NM_001354896.2); c.8435C>T, p.Pro2812Leu (NM_001354897.2); c.8330C>T, p.Pro2777Leu (NM_001354898.2); c.8321C>T, p.Pro2774Leu (NM_001354899.2); c.8282C>T, p.Pro2761Leu (NM_001354900.2); c.8228C>T, p.Pro2743Leu (NM_001354901.2); and 5 more; short protein forms P2784L, P2802L, P2701L, P2743L, P2774L, P2820L, P2519L, P2676L.
Identifiers: ClinVar variation 185372 (VCV000185372.18), dbSNP rs765631031, ClinGen allele CA015461.

ClinVar aggregate classification (germline): Uncertain significance. Review status: criteria provided, multiple submitters, no conflicts (2 of 4 stars). 2 submissions from 2 submitters: Uncertain significance (2). Last evaluated 2025-12-09.

Conditions:
Hereditary cancer-predisposing syndrome. Also called: Hereditary neoplastic syndrome; Neoplastic Syndromes, Hereditary; Tumor predisposition; Hereditary Cancer Syndrome. Identifiers: Orphanet 140162, MedGen C0027672, MeSH D009386, MONDO:0015356.
Familial adenomatous polyposis 1 (FAP1). Also called: FAMILIAL ADENOMATOUS POLYPOSIS 1, ATTENUATED; POLYPOSIS, ADENOMATOUS INTESTINAL. Identifiers: MedGen C2713442, MONDO:0021056, OMIM 175100. Disease mechanism: loss of function.

Allele frequency attached by ClinVar (database versions not stated): gnomAD exomes below 0.00001; TOPMed below 0.00001; ExAC 0.00001; gnomAD 0.00001.
gnomAD v4.1: 1 of 1,600,132 alleles (0.000062%); highest among the groups gnomAD compares: Non-Finnish European, 0.000085%; no homozygotes.

Submissions (2):

Labcorp Genetics (formerly Invitae), Labcorp
Classification: Uncertain significance for Familial adenomatous polyposis 1. Last evaluated: 2025-12-09. Review status: criteria provided, single submitter. Criteria: Invitae Variant Classification Sherloc (09022015). Collection method: clinical testing. Allele origin: germline.
Comment: This sequence change replaces proline, which is neutral and non-polar, with leucine, which is neutral and non-polar, at codon 2802 of the APC protein (p.Pro2802Leu). This variant is present in population databases (rs765631031, gnomAD 0.0009%). This variant has not been reported in the literature in individuals affected with APC-related conditions. ClinVar contains an entry for this variant (Variation ID: 185372). Invitae Evidence Modeling of protein sequence and biophysical properties (such as structural, functional, and spatial information, amino acid conservation, physicochemical variation, residue mobility, and thermodynamic stability) indicates that this missense variant is not expected to disrupt APC protein function with a negative predictive value of 95%. In summary, the available evidence is currently insufficient to determine the role of this variant in disease. Therefore, it has been classified as a Variant of Uncertain Significance.

Ambry Genetics
Classification: Uncertain significance for Hereditary cancer-predisposing syndrome. Last evaluated: 2025-06-07. Review status: criteria provided, single submitter. Criteria: Ambry Variant Classification Scheme 2023. Collection method: clinical testing. Allele origin: germline.
Comment: The p.P2802L variant (also known as c.8405C>T), located in coding exon 15 of the APC gene, results from a C to T substitution at nucleotide position 8405. The proline at codon 2802 is replaced by leucine, an amino acid with similar properties. This amino acid position is highly conserved in available vertebrate species. In addition, in silico predictors for this gene do not accurately predict pathogenicity. Since supporting evidence is limited at this time, the clinical significance of this alteration remains unclear.